The following is an entry in ClinVar:

ClinVar aggregate classification (germline): Conflicting classifications of pathogenicity. Review status: criteria provided, conflicting classifications (1 of 4 stars). 4 submissions from 4 submitters: Uncertain significance (1); Benign (1); Likely benign (1). 1 of the submissions does not count toward it. Last evaluated 2026-01-22.

Conditions:
Primary ciliary dyskinesia. Also called: Ciliary dyskinesia. Identifiers: Orphanet 244, MedGen C0008780, MONDO:0016575, HP:0012265.
DNAH11-related disorder. Also called: DNAH11-related condition.

Allele frequency attached by ClinVar (database versions not stated): ExAC 0.00035; gnomAD 0.00092; ESP Exome Variant Server 0.00110; TOPMed 0.00110; 1000 Genomes Project 0.00140; 1000 Genomes Project 30x 0.00141.
gnomAD v4.1: 320 of 1,611,154 alleles (0.02%); highest among the groups gnomAD compares: African/African-American, 0.36%; 2 homozygotes.

Submissions (4):

Labcorp Genetics (formerly Invitae), Labcorp
Classification: Likely benign for Primary ciliary dyskinesia. Last evaluated: 2026-01-22. Review status: criteria provided, single submitter. Criteria: Invitae Variant Classification Sherloc (09022015). Collection method: clinical testing. Allele origin: germline.

Blueprint Genetics
Classification: Uncertain significance. Last evaluated: 2024-11-14. Review status: criteria provided, single submitter. Criteria: ACMG Guidelines, 2015. Collection method: clinical testing. Allele origin: germline.

Ambry Genetics
Classification: Benign for Primary ciliary dyskinesia. Last evaluated: 2018-11-09. Review status: criteria provided, single submitter. Criteria: Ambry Variant Classification Scheme 2023. Collection method: clinical testing. Allele origin: germline.

PreventionGenetics, part of Exact Sciences
Classification: Likely benign for DNAH11-related condition. Last evaluated: 2022-06-27. Review status: no assertion criteria provided. Collection method: clinical testing. Allele origin: germline. Not counted in ClinVar's aggregate classification.
Comment: This variant is classified as likely benign based on ACMG/AMP sequence variant interpretation guidelines (Richards et al. 2015 PMID: 25741868, with internal and published modifications).

NM_001277115.2(DNAH11):c.9773A>G (p.Tyr3258Cys)

Gene: DNAH11 (dynein axonemal heavy chain 11; plus strand). Cytogenetic location: 7p15.3.
Variant type: single nucleotide variant.
Coding change: c.9773A>G on transcript NM_001277115.2 (MANE Select); coding-DNA position 9773, A replaced by G.
Protein change: p.Tyr3258Cys; replaces tyrosine 3258 with cysteine.
Molecular consequence: missense variant.
Genome position (GRCh38, 1-based): chr7:21,787,432, A>G. VCF-style: chr7-21787432-A-G. GRCh37 (hg19) VCF-style: chr7-21827050-A-G.
Other names: short protein forms Y3258C.
Identifiers: ClinVar variation 359668 (VCV000359668.22), dbSNP rs182808328, ClinGen allele CA4182112.